The following is an entry in ClinVar:

NM_001035.3(RYR2):c.5785T>A (p.Ser1929Thr)

Gene: RYR2 (ryanodine receptor 2; plus strand). Cytogenetic location: 1q43.
Variant type: single nucleotide variant.
Coding change: c.5785T>A on transcript NM_001035.3 (MANE Select); coding-DNA position 5785, T replaced by A.
Protein change: p.Ser1929Thr; replaces serine 1929 with threonine.
Molecular consequence: missense variant.
Genome position (GRCh38, 1-based): chr1:237,617,355, T>A. VCF-style: chr1-237617355-T-A. GRCh37 (hg19) VCF-style: chr1-237780655-T-A.
Other names: short protein forms S1929T.
Identifiers: ClinVar variation 3765974 (VCV003765974.2).

ClinVar aggregate classification (germline): Conflicting classifications of pathogenicity. Review status: criteria provided, conflicting classifications (1 of 4 stars). 2 submissions from 2 submitters: Uncertain significance (1); Likely benign (1). Last evaluated 2025-04-13.

Conditions:
Catecholaminergic polymorphic ventricular tachycardia 1. Also called: VENTRICULAR TACHYCARDIA, CATECHOLAMINERGIC POLYMORPHIC, 1, WITH OR WITHOUT ATRIAL DYSFUNCTION AND/OR DILATED CARDIOMYOPATHY; RYR2-Related Catecholaminergic Polymorphic Ventricular Tachycardia; VENTRICULAR TACHYCARDIA, STRESS-INDUCED POLYMORPHIC 1. Identifiers: Orphanet 3286, MedGen C1631597, MONDO:0011484, OMIM 604772.

gnomAD v4.1: 3 of 1,613,850 alleles (0.00019%); highest among the groups gnomAD compares: African/African-American, 0.004%; no homozygotes.

Submissions (2):

Labcorp Genetics (formerly Invitae), Labcorp
Classification: Likely benign for Catecholaminergic polymorphic ventricular tachycardia 1. Last evaluated: 2025-04-13. Review status: criteria provided, single submitter. Criteria: Invitae Variant Classification Sherloc (09022015). Collection method: clinical testing. Allele origin: germline.

GeneDx
Classification: Uncertain significance. Last evaluated: 2024-09-03. Review status: criteria provided, single submitter. Criteria: GeneDx Variant Classification Process June 2021. Collection method: clinical testing. Allele origin: germline. Affected: yes.
Comment: Has not been previously published as pathogenic or benign to our knowledge; Not observed at significant frequency in large population cohorts (gnomAD); In silico analysis indicates that this missense variant does not alter protein structure/function; This variant is associated with the following publications: (PMID: 19926015)